The following is an entry in ClinVar:

ClinVar aggregate classification (germline): Uncertain significance. Review status: criteria provided, multiple submitters, no conflicts (2 of 4 stars). 2 submissions from 2 submitters: Uncertain significance (2). Last evaluated 2025-10-01.

Conditions:
Familial cold autoinflammatory syndrome 2 (FCAS2). Identifiers: Orphanet 247868, MedGen C2673198, MONDO:0012724, OMIM 611762.
Inborn genetic diseases. Identifiers: MedGen C0950123, MeSH D030342.

Allele frequency attached by ClinVar (database versions not stated): gnomAD exomes below 0.00001; ExAC 0.00002; gnomAD 0.00003; TOPMed 0.00008.
gnomAD v4.1: 11 of 1,614,006 alleles (0.00068%); highest among the groups gnomAD compares: African/African-American, 0.013%; no homozygotes.

Submissions (2):

Ambry Genetics
Classification: Uncertain significance for Inborn genetic diseases. Last evaluated: 2025-10-01. Review status: criteria provided, single submitter. Criteria: Ambry Variant Classification Scheme 2023. Collection method: clinical testing. Allele origin: germline.

Labcorp Genetics (formerly Invitae), Labcorp
Classification: Uncertain significance for Familial cold autoinflammatory syndrome 2. Last evaluated: 2025-08-17. Review status: criteria provided, single submitter. Criteria: Invitae Variant Classification Sherloc (09022015). Collection method: clinical testing. Allele origin: germline.
Comment: This sequence change replaces lysine, which is basic and polar, with glutamic acid, which is acidic and polar, at codon 731 of the NLRP12 protein (p.Lys731Glu). This variant is present in population databases (rs770660560, gnomAD 0.02%). This variant has not been reported in the literature in individuals affected with NLRP12-related conditions. ClinVar contains an entry for this variant (Variation ID: 2971182). An algorithm developed to predict the effect of missense changes on protein structure and function (PolyPhen-2) suggests that this variant is likely to be tolerated. In summary, the available evidence is currently insufficient to determine the role of this variant in disease. Therefore, it has been classified as a Variant of Uncertain Significance.

NM_144687.4(NLRP12):c.2191A>G (p.Lys731Glu)

Gene: NLRP12 (NLR family pyrin domain containing 12; minus strand). Cytogenetic location: 19q13.42.
Variant type: single nucleotide variant.
Coding change: c.2191A>G on transcript NM_144687.4 (MANE Select); coding-DNA position 2191, A replaced by G.
Protein change: p.Lys731Glu; replaces lysine 731 with glutamic acid.
Molecular consequence: missense variant.
Genome position (GRCh38, 1-based): chr19:53,807,547, T>C on the plus strand (A>G on the coding strand, the complement: NLRP12 is on the minus strand). VCF-style: chr19-53807547-T-C. GRCh37 (hg19) VCF-style: chr19-54310801-T-C.
Other names: c.2194A>G, p.Lys732Glu (NM_001277126.2); c.2191A>G, p.Lys731Glu (NM_001277129.1); c.2191A>G (NM_144687.2); short protein forms K732E, K731E.
Identifiers: ClinVar variation 2971182 (VCV002971182.4), dbSNP rs770660560, ClinGen allele CA9639191.